The following is an entry in ClinVar:

ClinVar aggregate classification (germline): Uncertain significance. Review status: criteria provided, multiple submitters, no conflicts (2 of 4 stars). 2 submissions from 2 submitters: Uncertain significance (2). Last evaluated 2025-10-30.

Conditions:
Inborn genetic diseases. Identifiers: MedGen C0950123, MeSH D030342.

Allele frequency attached by ClinVar (database versions not stated): gnomAD exomes 0.00001; ExAC 0.00002; gnomAD 0.00002; TOPMed 0.00003; 1000 Genomes Project 0.00020; 1000 Genomes Project 30x 0.00031.
gnomAD v4.1: 10 of 1,613,674 alleles (0.00062%); highest among the groups gnomAD compares: Middle Eastern, 0.016%; no homozygotes.

Submissions (2):

Ambry Genetics
Classification: Uncertain significance for Inborn genetic diseases. Last evaluated: 2025-10-30. Review status: criteria provided, single submitter. Criteria: Ambry Variant Classification Scheme 2023. Collection method: clinical testing. Allele origin: germline.

Labcorp Genetics (formerly Invitae), Labcorp
Classification: Uncertain significance. Last evaluated: 2023-06-22. Review status: criteria provided, single submitter. Criteria: Invitae Variant Classification Sherloc (09022015). Collection method: clinical testing. Allele origin: germline.
Comment: This sequence change replaces glycine, which is neutral and non-polar, with serine, which is neutral and polar, at codon 72 of the SIN3A protein (p.Gly72Ser). This variant is present in population databases (rs549597181, gnomAD 0.007%). This variant has not been reported in the literature in individuals affected with SIN3A-related conditions. ClinVar contains an entry for this variant (Variation ID: 1959693). Algorithms developed to predict the effect of missense changes on protein structure and function output the following: SIFT: "Not Available"; PolyPhen-2: "Benign"; Align-GVGD: "Not Available". The serine amino acid residue is found in multiple mammalian species, which suggests that this missense change does not adversely affect protein function. In summary, the available evidence is currently insufficient to determine the role of this variant in disease. Therefore, it has been classified as a Variant of Uncertain Significance.

NM_001145358.2(SIN3A):c.214G>A (p.Gly72Ser)

Gene: SIN3A (SIN3 transcription regulator family member A; minus strand). Cytogenetic location: 15q24.2.
Variant type: single nucleotide variant.
Coding change: c.214G>A on transcript NM_001145358.2 (MANE Select); coding-DNA position 214, G replaced by A.
Protein change: p.Gly72Ser; replaces glycine 72 with serine.
Molecular consequence: missense variant.
Genome position (GRCh38, 1-based): chr15:75,422,799, C>T on the plus strand (G>A on the coding strand, the complement: SIN3A is on the minus strand). VCF-style: chr15-75422799-C-T. GRCh37 (hg19) VCF-style: chr15-75715140-C-T.
Other names: c.214G>A, p.Gly72Ser (NM_001145357.2, NM_015477.3); c.214G>A (NM_001145358.1); short protein forms G72S.
Identifiers: ClinVar variation 1959693 (VCV001959693.6), dbSNP rs549597181, ClinGen allele CA7667943.